The following is an entry in ClinVar:

ClinVar aggregate classification (germline): Likely benign (0 of 4 stars; one submission).

Conditions:
PLXNA1-related disorder. Also called: PLXNA1-related condition.

Allele frequency attached by ClinVar (database versions not stated): gnomAD 0.00001; gnomAD exomes 0.00001; TOPMed 0.00001.
gnomAD v4.1: 19 of 1,604,174 alleles (0.0012%); highest among the groups gnomAD compares: Admixed American, 0.0034%; no homozygotes.

Submission:

PreventionGenetics, part of Exact Sciences
Classification: Likely benign for PLXNA1-related condition. Last evaluated: 2022-03-15. Review status: no assertion criteria provided. Collection method: clinical testing. Allele origin: germline.
Comment: This variant is classified as likely benign based on ACMG/AMP sequence variant interpretation guidelines (Richards et al. 2015 PMID: 25741868, with internal and published modifications).

NM_032242.4(PLXNA1):c.1185C>T (p.Cys395=)

Gene: PLXNA1 (plexin A1; plus strand). Cytogenetic location: 3q21.3.
Variant type: single nucleotide variant.
Coding change: c.1185C>T on transcript NM_032242.4 (MANE Select); coding-DNA position 1185, C replaced by T.
Protein change: p.Cys395=; no amino-acid change (cysteine 395 retained).
Molecular consequence: synonymous variant.
Genome position (GRCh38, 1-based): chr3:126,989,778, C>T. VCF-style: chr3-126989778-C-T. GRCh37 (hg19) VCF-style: chr3-126708621-C-T.
Identifiers: ClinVar variation 3031649 (VCV003031649.2), dbSNP rs1396913925, ClinGen allele CA435505727.
Genomic context (GRCh38, chr3:126,989,778, plus strand): 5'-CTGCTACCGTGGTGAGGGCAAGCTCTCCCTGCCGTGGCTGCTCAACAAGGAGCTGGGCTG[C>T]ATCAACTCGGTGAGTTGGGCAGGGGCGCCCCTCCTCCCGCGGCCCCATCCCCTCCAGGGA-3'
Protein context (NP_115618.3, residues 385-405): LPWLLNKELG[Cys395=]INSPLQIDDD